The following is an entry in ClinVar:

ClinVar aggregate classification (germline): Uncertain significance (1 of 4 stars; one submission).

Conditions:
Progressive microcephaly-seizures-cortical blindness-developmental delay syndrome. Also called: Seizures, cortical blindness, and microcephaly syndrome. Identifiers: Orphanet 477814, MedGen C5567650, MONDO:0014714, OMIM 616632.
Autosomal dominant nonsyndromic hearing loss 1. Also called: DEAFNESS, AUTOSOMAL DOMINANT 1, WITH OR WITHOUT THROMBOCYTOPENIA; KONIGSMARK SYNDROME. Identifiers: Orphanet 90635, MedGen C1852282, MONDO:0007424, OMIM 124900.

Submission:

Labcorp Genetics (formerly Invitae), Labcorp
Classification: Uncertain significance for Progressive microcephaly-seizures-cortical blindness-developmental delay syndrome; Autosomal dominant nonsyndromic hearing loss 1. Last evaluated: 2025-05-21. Review status: criteria provided, single submitter. Criteria: Invitae Variant Classification Sherloc (09022015). Collection method: clinical testing. Allele origin: germline.
Comment: This sequence change replaces proline, which is neutral and non-polar, with serine, which is neutral and polar, at codon 676 of the DIAPH1 protein (p.Pro676Ser). This variant is not present in population databases (gnomAD no frequency). This variant has not been reported in the literature in individuals affected with DIAPH1-related conditions. ClinVar contains an entry for this variant (Variation ID: 1464533). An algorithm developed to predict the effect of missense changes on protein structure and function outputs the following: PolyPhen-2: "Not Available". The serine amino acid residue is found in multiple mammalian species, which suggests that this missense change does not adversely affect protein function. In summary, the available evidence is currently insufficient to determine the role of this variant in disease. Therefore, it has been classified as a Variant of Uncertain Significance.

NM_005219.5(DIAPH1):c.2026C>T (p.Pro676Ser)

Gene: DIAPH1 (diaphanous related formin 1; minus strand). Cytogenetic location: 5q31.3.
Variant type: single nucleotide variant.
Coding change: c.2026C>T on transcript NM_005219.5 (MANE Select); coding-DNA position 2026, C replaced by T.
Protein change: p.Pro676Ser; replaces proline 676 with serine.
Molecular consequence: missense variant.
Genome position (GRCh38, 1-based): chr5:141,573,824, G>A on the plus strand (C>T on the coding strand, the complement: DIAPH1 is on the minus strand). VCF-style: chr5-141573824-G-A. GRCh37 (hg19) VCF-style: chr5-140953391-G-A.
Other names: c.1999C>T, p.Pro667Ser (NM_001079812.3); c.2026C>T, p.Pro676Ser (NM_001314007.2); short protein forms P676S, P667S.
Identifiers: ClinVar variation 1464533 (VCV001464533.6), dbSNP rs1160456432, ClinGen allele CA361519031.